The following is an entry in ClinVar:

ClinVar aggregate classification (germline): Conflicting classifications of pathogenicity. Review status: criteria provided, conflicting classifications (1 of 4 stars). 6 submissions from 6 submitters: Pathogenic (1); Uncertain significance (5). Last evaluated 2025-07-15.

Conditions:
Inborn genetic diseases. Identifiers: MedGen C0950123, MeSH D030342.
Congenital disorder of glycosylation, type IIr. Also called: CDG IIr. Identifiers: MedGen C5393313, MONDO:0026765, OMIM 301045.
Intellectual developmental disorder, X-linked, syndromic, Hedera type. Also called: Syndromic X-linked intellectual disability Hedera type. Identifiers: Orphanet 93952, MedGen C1845543, MONDO:0010319, OMIM 300423.
X-linked parkinsonism-spasticity syndrome. Also called: Parkinsonism with spasticity, X-linked. Identifiers: Orphanet 363654, MedGen C3806722, MONDO:0010482, OMIM 300911.

Submissions (6):

GeneDx
Classification: Pathogenic. Last evaluated: 2025-07-15. Review status: criteria provided, single submitter. Criteria: GeneDx Variant Classification Process June 2021. Collection method: clinical testing. Allele origin: germline. Affected: yes.
Comment: RNA studies demonstrate a deleterious effect on splicing resulting in the in-frame skipping of exon 8 (PMID: 38274877, 38280421); Not observed at significant frequency in large population cohorts (gnomAD); This variant is associated with the following publications: (PMID: 38274877, 38280421)

CeGaT Center for Human Genetics Tuebingen
Classification: Uncertain significance. Last evaluated: 2024-09-01. Review status: criteria provided, single submitter. Criteria: CeGaT Center For Human Genetics Tuebingen Variant Classification Criteria Version 2. Collection method: clinical testing. Allele origin: germline. Affected: yes. Observed: 1 variant allele.
Comment: ATP6AP2: PS2:Moderate, PM2:Supporting, BP4

Ambry Genetics
Classification: Uncertain significance for Inborn genetic diseases. Last evaluated: 2021-09-14. Review status: criteria provided, single submitter. Criteria: Ambry Variant Classification Scheme 2023. Collection method: clinical testing. Allele origin: germline.
Comment: The c.858G>A (p.A286A) alteration is located in exon 8 (coding exon 8) of the ATP6AP2 gene. This alteration consists of a G to A substitution at nucleotide position 858. This nucleotide substitution does not change the alanine (A) at codon 286. However, this change occurs in the last base pair of coding exon 8, which makes it likely to have some effect on normal mRNA splicing. This variant was not reported in population-based cohorts in the Genome Aggregation Database (gnomAD). This nucleotide position is not well conserved in available vertebrate species. In silico splice site analysis for this alteration is inconclusive. Based on insufficient or conflicting evidence, the clinical significance of this alteration remains unclear.

Institute of Human Genetics, University of Leipzig Medical Center
Classification: Uncertain significance for Intellectual developmental disorder, X-linked, syndromic, Hedera type. Last evaluated: 2021-02-01. Review status: criteria provided, single submitter. Criteria: ACMG Guidelines, 2015. Collection method: clinical testing. Allele origin: de novo. Affected: yes.
Comment: Despite strong evidence for its pathogenicity, this variant has to be classified as of unknown significance, according to the ACMG-criteria (Richards et al., 2015)

Labcorp Genetics (formerly Invitae), Labcorp
Classification: Uncertain significance for Intellectual developmental disorder, X-linked, syndromic, Hedera type. Last evaluated: 2017-10-27. Review status: criteria provided, single submitter. Criteria: Invitae Variant Classification Sherloc (09022015). Collection method: clinical testing. Allele origin: germline.
Comment: This sequence change affects codon 286 of the ATP6AP2 mRNA. It is a 'silent' change, meaning that it does not change the encoded amino acid sequence of the ATP6AP2 protein. This variant also falls at the last nucleotide of exon 8 of the ATP6AP2 coding sequence, which is part of the consensus splice site for this exon. This variant is not present in population databases (ExAC no frequency). This variant has not been reported in the literature in individuals with ATP6AP2-related disease. Nucleotide substitutions within the consensus splice site are relatively common causes of aberrant splicing (PMID: 17576681, 9536098). Algorithms developed to predict the effect of sequence changes on RNA splicing suggest that this variant may disrupt the consensus splice site, but this prediction has not been confirmed by published transcriptional studies. In summary, the available evidence is currently insufficient to determine the role of this variant in disease. Therefore, it has been classified as a Variant of Uncertain Significance.

Juno Genomics, Hangzhou Juno Genomics, Inc
Classification: Uncertain significance for X-linked parkinsonism-spasticity syndrome; Congenital disorder of glycosylation, type IIr; Intellectual developmental disorder, X-linked, syndromic, Hedera type. Review status: criteria provided, single submitter. Criteria: ACMG Guidelines, 2015. Collection method: clinical testing. Allele origin: germline. Affected: yes.
Comment: Absent from controls (or at extremely low frequency if recessive) in Genome Aggregation Database, Exome Sequencing Project, 1000 Genomes Project, or Exome Aggregation Consortium.;Multiple lines of computational evidence support a deleterious effect on the gene or gene product (conservation, evolutionary, splicing impact, etc).;De novo (both maternity and paternity confirmed) in a patient with the disease and no family history.;Patient's phenotype or family history is highly specific for a disease with a single genetic etiology.

NM_005765.3(ATP6AP2):c.858G>A (p.Ala286=)

Gene: ATP6AP2 (ATPase H+ transporting accessory protein 2; plus strand). Cytogenetic location: Xp11.4.
Variant type: single nucleotide variant.
Coding change: c.858G>A on transcript NM_005765.3 (MANE Select); coding-DNA position 858, G replaced by A.
Protein change: p.Ala286=; no amino-acid change (alanine 286 retained).
Molecular consequence: synonymous variant.
Genome position (GRCh38, 1-based): chrX:40,600,881, G>A. VCF-style: chrX-40600881-G-A. GRCh37 (hg19) VCF-style: chrX-40460133-G-A.
Identifiers: ClinVar variation 533691 (VCV000533691.20), dbSNP rs1555978069, ClinGen allele CA515972335.